The following is an entry in ClinVar:

NM_018941.4(CLN8):c.610C>T (p.Arg204Cys)

Gene: CLN8 (CLN8 transmembrane ER and ERGIC protein; plus strand). Cytogenetic location: 8p23.3.
Variant type: single nucleotide variant.
Coding change: c.610C>T on transcript NM_018941.4 (MANE Select); coding-DNA position 610, C replaced by T.
Protein change: p.Arg204Cys; replaces arginine 204 with cysteine.
Molecular consequence: missense variant.
Genome position (GRCh38, 1-based): chr8:1,780,316, C>T. VCF-style: chr8-1780316-C-T. GRCh37 (hg19) VCF-style: chr8-1728482-C-T.
Other names: short protein forms R204C.
Identifiers: ClinVar variation 2804 (VCV000002804.22), dbSNP rs104894060, ClinGen allele CA252418.
Genomic context (GRCh38, chr8:1,780,316, plus strand): 5'-TGGTCCGAGTCTCTGTTTTGGAAGCTCAACCAGTGGCTGATGATTCACATGTTTCACTGC[C>T]GCATGGTTCTAACCTACCACATGTGGTGGGTGTGTTTCTGGCACTGGGACGGCCTGGTCA-3'
Protein context (NP_061764.2, residues 194-214): QWLMIHMFHC[Arg204Cys]MVLTYHMWWV

ClinVar aggregate classification (germline): Pathogenic/Likely pathogenic. Review status: criteria provided, multiple submitters, no conflicts (2 of 4 stars). 10 submissions from 10 submitters: Pathogenic (5); Likely pathogenic (3). 2 of the submissions do not count toward it. Last evaluated 2025-03-17.

Conditions:
CLN8-related disorder. Also called: CLN8-related condition.
Neuronal ceroid lipofuscinosis 8 northern epilepsy variant. Also called: NORTHERN EPILEPSY; EPILEPSY, PROGRESSIVE, WITH MENTAL RETARDATION. Identifiers: Orphanet 1947, MedGen C1864923, MONDO:0012391, OMIM 610003.
Neuronal ceroid lipofuscinosis 8 (CLN8). Also called: CLN8-Related Neuronal Ceroid-Lipofuscinosis. Identifiers: Orphanet 168491, Orphanet 228354, Orphanet 79264, MedGen C1838570, MONDO:0010830, OMIM 600143.
Neuronal ceroid lipofuscinosis. Also called: Neuronal Ceroid Lipofuscinoses. Identifiers: Orphanet 216, Orphanet 79263, MedGen C0027877, MONDO:0016295. Disease mechanism: loss of function.

Allele frequency attached by ClinVar (database versions not stated): TOPMed below 0.00001; gnomAD 0.00001; gnomAD exomes 0.00001 and 0.00003; ExAC 0.00006.
gnomAD v4.1: 16 of 1,614,116 alleles (0.00099%); highest among the groups gnomAD compares: South Asian, 0.0033%; no homozygotes.

Submissions (10):

Labcorp Genetics (formerly Invitae), Labcorp
Classification: Pathogenic for Neuronal ceroid lipofuscinosis. Last evaluated: 2025-03-17. Review status: criteria provided, single submitter. Criteria: Invitae Variant Classification Sherloc (09022015). Collection method: clinical testing. Allele origin: germline.
Comment: This sequence change replaces arginine, which is basic and polar, with cysteine, which is neutral and slightly polar, at codon 204 of the CLN8 protein (p.Arg204Cys). This variant is present in population databases (rs104894060, gnomAD 0.006%). This missense change has been observed in individuals with neuronal ceroid lipofuscinosis (PMID: 15024724, 25326637). It has also been observed to segregate with disease in related individuals. ClinVar contains an entry for this variant (Variation ID: 2804). Invitae Evidence Modeling of protein sequence and biophysical properties (such as structural, functional, and spatial information, amino acid conservation, physicochemical variation, residue mobility, and thermodynamic stability) has been performed for this missense variant. However, the output from this modeling did not meet the statistical confidence thresholds required to predict the impact of this variant on CLN8 protein function. Experimental studies have shown that this missense change does not substantially affect CLN8 function (PMID: 15160397). This variant disrupts the p.Arg204 amino acid residue in CLN8. Other variant(s) that disrupt this residue have been observed in individuals with CLN8-related conditions (PMID: 15024724, 19807737, 23374165), which suggests that this may be a clinically significant amino acid residue. For these reasons, this variant has been classified as Pathogenic.

Natera, Inc.
Classification: Pathogenic for Neuronal ceroid lipofuscinosis 8. Last evaluated: 2024-11-01. Review status: criteria provided, single submitter. Criteria: Natera Variant Classification Schema (03/2026). Collection method: clinical testing. Allele origin: germline.
Comment: The c.610C>T variant in CLN8 is a missense variant predicted to cause substitution of arginine to cysteine at amino acid 204. This variant is rare in the general population with a frequency below the threshold expected for the associated phenotype(s). This variant has been observed in one or more individuals affected with the associated recessive disease, as either homozygous or compound heterozygous with a second variant (PMID: 25326637, 15024724, 30293248). Additionally, this variant has been observed to segregate in affected family members (PMID: 15024724). Computational prediction algorithms indicate this variant is likely to affect gene or protein function. Given the available evidence, this variant is classified as Pathogenic.

Blueprint Genetics
Classification: Pathogenic for CLN8-related disorders. Last evaluated: 2022-12-02. Review status: criteria provided, single submitter. Criteria: ACMG Guidelines, 2015. Collection method: clinical testing. Allele origin: germline. Affected: yes. Observed: 2 variant alleles.

Greenwood Genetic Center Diagnostic Laboratories, Greenwood Genetic Center
Classification: Likely pathogenic for CLN8-related disorder. Last evaluated: 2022-09-13. Review status: criteria provided, single submitter. Criteria: ACMG Guidelines, 2015. Collection method: clinical testing. Allele origin: germline. Affected: yes.
Comment: PM2, PM3_Strong, PP1, PP3

GeneDx
Classification: Pathogenic. Last evaluated: 2022-04-13. Review status: criteria provided, single submitter. Criteria: GeneDx Variant Classification Process June 2021. Collection method: clinical testing. Allele origin: germline. Affected: yes.
Comment: Not observed at a significant frequency in large population cohorts (gnomAD); In silico analysis supports that this missense variant has a deleterious effect on protein structure/function; This variant is associated with the following publications: (PMID: 25326637, 15024724, 30293248, 15160397, 19807737, 14997939, 15074367, 21990111, 26026925, 31589614)

Women's Health and Genetics/Laboratory Corporation of America, LabCorp
Classification: Pathogenic for Neuronal ceroid lipofuscinosis 8. Last evaluated: 2020-04-10. Review status: criteria provided, single submitter. Criteria: LabCorp Variant Classification Summary - May 2015. Collection method: clinical testing. Allele origin: germline.
Comment: Variant summary: CLN8 c.610C>T (p.Arg204Cys) results in a non-conservative amino acid change in the encoded protein sequence. Five of five in-silico tools predict a damaging effect of the variant on protein function. The variant allele was found at a frequency of 3.2e-05 in 252044 control chromosomes (gnomAD and publication). c.610C>T has been reported in the literature in multiple individuals affected with late infantile neuronal ceroid lipofuscinoses (Ranta_2004, Lee_2014) and cosegregated with the disease phenotype in the families (Ranta_2004). These data indicate that the variant is very likely to be associated with disease. To our knowledge, no experimental evidence demonstrating an impact on protein function has been reported. Three ClinVar submitters (evaluation after 2014) cite the variant as pathogenic (1x) and likely pathogenic (2x). Based on the evidence outlined above, the variant was classified as pathogenic.

Fulgent Genetics
Classification: Likely pathogenic for Neuronal ceroid lipofuscinosis 8; Neuronal ceroid lipofuscinosis 8 northern epilepsy variant. Last evaluated: 2018-10-31. Review status: criteria provided, single submitter. Criteria: ACMG Guidelines, 2015. Collection method: clinical testing. Allele origin: unknown.

UCLA Clinical Genomics Center, UCLA
Classification: Likely pathogenic for Ceroid lipofuscinosis neuronal 8. Last evaluated: 2012-08-14. Review status: criteria provided, single submitter. Criteria: Lee et al. (JAMA. 2014). Collection method: clinical testing. Allele origin: unknown. Inheritance: Autosomal recessive inheritance. Affected: yes. Study: CES.

Counsyl
Classification: Likely pathogenic for Neuronal ceroid lipofuscinosis 8. Last evaluated: 2018-02-12. Review status: no assertion criteria provided. Collection method: clinical testing. Allele origin: unknown. Not counted in ClinVar's aggregate classification.

OMIM
Classification: Pathogenic for CEROID LIPOFUSCINOSIS, NEURONAL, 8. Last evaluated: 2004-01-01. Review status: no assertion criteria provided. Collection method: literature only. Allele origin: germline. Not counted in ClinVar's aggregate classification.

Literature cited by the submitters: PubMed 15024724 (cited by 4 submitters); PubMed 25326637 (cited by 3 submitters); PubMed 15160397 (cited by Labcorp Genetics (formerly Invitae), Labcorp and Counsyl); PubMed 19807737 (cited by Labcorp Genetics (formerly Invitae), Labcorp); PubMed 23374165 (cited by Labcorp Genetics (formerly Invitae), Labcorp); PubMed 30293248 (cited by Natera, Inc.); PubMed 21990111 (cited by Women's Health and Genetics/Laboratory Corporation of America, LabCorp and Counsyl); PubMed 11589000 (cited by OMIM); PubMed 15074367 (cited by OMIM); PubMed 10508524 (cited by OMIM).